The following is an entry in ClinVar:

ClinVar aggregate classification (germline): Pathogenic (1 of 4 stars; one submission).

Conditions:
Severe myoclonic epilepsy in infancy (DRVT). Also called: Dravet syndrome; DEVELOPMENTAL AND EPILEPTIC ENCEPHALOPATHY 6A; Epileptic encephalopathy, early infantile, 6 (Dravet syndrome); Severe Myoclonic Epilepsy in Infancy (SMEI); SEVERE MYOCLONIC EPILEPSY OF INFANCY. Identifiers: Orphanet 33069, MedGen C0751122, MONDO:0100135, OMIM 607208.

Submission:

Institute of Human Genetics, University of Leipzig Medical Center
Classification: Pathogenic for Severe myoclonic epilepsy in infancy. Last evaluated: 2019-04-01. Review status: criteria provided, single submitter. Criteria: ACMG Guidelines, 2015. Collection method: clinical testing. Allele origin: de novo. Affected: yes. Observed: 1 variant allele.
Comment: This variant was identified as de novo (maternity and paternity confirmed).

NM_001165963.4(SCN1A):c.5343del (p.Met1780_Tyr1781insTer)

Genes: SCN1A (sodium voltage-gated channel alpha subunit 1; minus strand), LOC102724058 (uncharacterized LOC102724058; plus strand). Cytogenetic location: 2q24.3.
Variant type: Deletion.
Coding change: c.5343del on transcript NM_001165963.4 (MANE Select); coding-DNA position 5343, one base deleted (C; older notation c.5343delC).
Protein change: p.Met1780_Tyr1781insTer.
Molecular consequence: nonsense. On other transcripts: non-coding transcript variant (1).
Genome position (GRCh38, 1-based): chr2:165,991,932, G deleted on the plus strand (C on the coding strand, the reverse complement: SCN1A is on the minus strand). VCF-style (leftmost placement, unchanged base first): chr2-165991931-TG-T. GRCh37 (hg19) VCF-style: chr2-166848441-TG-T.
Other names: c.5259del, p.Met1752_Tyr1753insTer (NM_001165964.3, NM_001353957.2, NM_001353958.2); c.5343del, p.Met1780_Tyr1781insTer (NM_001202435.3, NM_001353948.2); c.5310del, p.Met1769_Tyr1770insTer (NM_001353949.2, NM_001353950.2, NM_001353951.2 and 2 more transcripts); c.5307del, p.Met1768_Tyr1769insTer (NM_001353954.2, NM_001353955.2); c.5256del, p.Met1751_Tyr1752insTer (NM_001353960.2); c.2901del, p.Met966_Tyr967insTer (NM_001353961.2).
Identifiers: ClinVar variation 976242 (VCV000976242.1), dbSNP rs1689241423, ClinGen allele CA1139655661.